The following is an entry in ClinVar:

NM_000218.3(KCNQ1):c.1378G>A (p.Gly460Ser)

Gene: KCNQ1 (potassium voltage-gated channel subfamily Q member 1; plus strand). Cytogenetic location: 11p15.5.
Variant type: single nucleotide variant.
Coding change: c.1378G>A on transcript NM_000218.3 (MANE Select); coding-DNA position 1378, G replaced by A.
Protein change: p.Gly460Ser; replaces glycine 460 with serine.
Molecular consequence: missense variant.
Genome position (GRCh38, 1-based): chr11:2,588,839, G>A. VCF-style: chr11-2588839-G-A. GRCh37 (hg19) VCF-style: chr11-2610069-G-A.
Other names: c.1378G>A (LRG_287t1); c.1282G>A, p.Gly428Ser (NM_001406836.1); c.1108G>A, p.Gly370Ser (NM_001406837.1); c.838G>A, p.Gly280Ser (NM_001406838.1); c.997G>A, p.Gly333Ser (NM_181798.2); short protein forms G460S, G333S, G280S, G370S, G428S.
Identifiers: ClinVar variation 67031 (VCV000067031.41), dbSNP rs199472783, ClinGen allele CA005709.

ClinVar aggregate classification (germline): Conflicting classifications of pathogenicity. Review status: criteria provided, conflicting classifications (1 of 4 stars). 10 submissions from 10 submitters: Uncertain significance (8); Likely benign (1). 1 of the submissions does not count toward it. Last evaluated 2026-06-22.

Conditions:
KCNQ1-related disorder. Also called: KCNQ1-related condition; KCNQ1-related disorders. Identifiers: MedGen CN239322.
Cardiovascular phenotype. Identifiers: MedGen CN230736.
Cardiac arrhythmia. Also called: Cardiac rhythm disease; Arrhythmia. Identifiers: MedGen C0003811, MONDO:0007263, HP:0011675.
Long QT syndrome (LQTS). Identifiers: MedGen C0023976, MeSH D008133, MONDO:0002442. Disease mechanism: loss of function. Inheritance: Various modes of inheritance.
SUDDEN INFANT DEATH SYNDROME (SIDS). Also called: Sudden Infant Death. Identifiers: MedGen C0038644, MeSH D013398, OMIM 272120.

Allele frequency attached by ClinVar (database versions not stated): gnomAD 0.00003 and 0.00004; TOPMed 0.00004; ESP Exome Variant Server 0.00008; 1000 Genomes Project 30x 0.00016; 1000 Genomes Project 0.00020.
gnomAD v4.1: 52 of 1,612,118 alleles (0.0032%); highest among the groups gnomAD compares: Middle Eastern, 0.075%; no homozygotes.

Submissions (10):

GeneDx
Classification: Uncertain significance. Last evaluated: 2026-06-22. Review status: criteria provided, single submitter. Criteria: GeneDx Variant Classification Process June 2021. Collection method: clinical testing. Allele origin: germline.
Comment: Reported in association with SIDS in published literature (PMID: 17210839); In silico analysis suggests that this missense variant does not alter protein structure/function; This variant is associated with the following publications: (PMID: 22581653, 27884173, 25637381, 23304551, 26332594, 29197658, 28316956, 30302399, 28880023, 17210839, 31043699, 19716085, 23465283, 30615648, 32048431, 31737537, 31337358, Rao2024[Review])

PreventionGenetics, part of Exact Sciences
Classification: Uncertain significance for KCNQ1-related condition. Last evaluated: 2025-04-21. Review status: criteria provided, single submitter. Criteria: ACMG Guidelines, 2015. Collection method: clinical testing. Allele origin: germline.
Comment: The KCNQ1 c.1378G>A variant is predicted to result in the amino acid substitution p.Gly460Ser. This variant has been reported in an individual with sudden infant death syndrome (SIDS) (Arnestad et al. 2007. PubMed ID: 17210839), in one stillborn (Sahlin et al. 2019. PubMed ID: 30615648), and in one individual undergoing testing for long QT syndrome (LQTS) (Table S1, Kapplinger et al. 2009. PubMed ID: 19716085). Functional studies demonstrate a partial loss of function in the potassium channel (Arnestad et al. 2007. PubMed ID: 17210839; Strigli et al. 2018. PubMed ID: 30302399). This variant is reported in 0.0087% of alleles in individuals of Latino descent in gnomAD. An alternate missense at the same amino acid position, p.Gly460Asp, has been reported in an autopsy following sudden arrhythmic death syndrome (SADS) (Raju et al. 2019. PubMed ID: 31337358). At this time, the clinical significance of this variant is uncertain due to the absence of conclusive functional and genetic evidence.

Blueprint Genetics
Classification: Likely benign. Last evaluated: 2024-11-26. Review status: criteria provided, single submitter. Criteria: ACMG Guidelines, 2015. Collection method: clinical testing. Allele origin: germline.

Labcorp Genetics (formerly Invitae), Labcorp
Classification: Uncertain significance for Long QT syndrome. Last evaluated: 2024-11-26. Review status: criteria provided, single submitter. Criteria: Invitae Variant Classification Sherloc (09022015). Collection method: clinical testing. Allele origin: germline.
Comment: This sequence change replaces glycine, which is neutral and non-polar, with serine, which is neutral and polar, at codon 460 of the KCNQ1 protein (p.Gly460Ser). This variant is present in population databases (rs199472783, gnomAD 0.009%). This missense change has been observed in individual(s) with long QT syndrome and/or sudden unexpected death (PMID: 17210839, 19716085, 31337358, 31737537). ClinVar contains an entry for this variant (Variation ID: 67031). An algorithm developed to predict the effect of missense changes on protein structure and function outputs the following: PolyPhen-2: "Benign". The serine amino acid residue is found in multiple mammalian species, which suggests that this missense change does not adversely affect protein function. Experimental studies have shown that this missense change affects KCNQ1 function (PMID: 30302399). In summary, the available evidence is currently insufficient to determine the role of this variant in disease. Therefore, it has been classified as a Variant of Uncertain Significance.

CeGaT Center for Human Genetics Tuebingen
Classification: Uncertain significance. Last evaluated: 2024-07-01. Review status: criteria provided, single submitter. Criteria: CeGaT Center For Human Genetics Tuebingen Variant Classification Criteria Version 2. Collection method: clinical testing. Allele origin: germline. Affected: yes. Observed: 1 variant allele.
Comment: KCNQ1: PM2

All of Us Research Program, National Institutes of Health
Classification: Uncertain significance for Long QT syndrome. Last evaluated: 2024-05-09. Review status: criteria provided, single submitter. Criteria: ACMG Guidelines, 2015. Collection method: clinical testing. Allele origin: germline. Inheritance: Autosomal dominant inheritance. Observed: 10 variant alleles, 10 heterozygotes.
Comment: This missense variant replaces glycine with serine at codon 460 of the KCNQ1 protein. Computational prediction is inconclusive regarding the impact of this variant on protein structure and function (internally defined REVEL score threshold 0.5 < inconclusive < 0.7, PMID: 27666373). Functional studies have shown that the mutant protein results in a reduced current density (PMID: 17210839, 30302399). This variant has been reported in one individual affected with sudden infant death syndrome (PMID: 17210839) and one stillbirth case (PMID: 30615648). This variant has been identified in 8/248964 chromosomes in the general population by the Genome Aggregation Database (gnomAD). The available evidence is insufficient to determine the role of this variant in disease conclusively. Therefore, this variant is classified as a Variant of Uncertain Significance.

This study involves interpretation of variants in research participants for the purpose of population health screening. Participant phenotype was not available at the time of variant classification. Additional details can be found in publication PMID: 35346344, PMCID: PMC8962531

Color Diagnostics, LLC DBA Color Health
Classification: Uncertain significance for Cardiac arrhythmia. Last evaluated: 2024-04-05. Review status: criteria provided, single submitter. Criteria: ACMG Guidelines, 2015. Collection method: clinical testing. Allele origin: germline.
Comment: This missense variant replaces glycine with serine at codon 460 of the KCNQ1 protein. Computational prediction is inconclusive regarding the impact of this variant on protein structure and function (internally defined REVEL score threshold 0.5 < inconclusive < 0.7, PMID: 27666373). Functional studies have shown that the mutant protein results in a reduced current density (PMID: 17210839, 30302399). This variant has been reported in one individual affected with sudden infant death syndrome (PMID: 17210839) and one stillbirth case (PMID: 30615648). This variant has been identified in 8/248964 chromosomes in the general population by the Genome Aggregation Database (gnomAD). The available evidence is insufficient to determine the role of this variant in disease conclusively. Therefore, this variant is classified as a Variant of Uncertain Significance.

Ambry Genetics
Classification: Uncertain significance for Cardiovascular phenotype. Last evaluated: 2019-12-18. Review status: criteria provided, single submitter. Criteria: Ambry Variant Classification Scheme 2023. Collection method: clinical testing. Allele origin: germline.

CSER _CC_NCGL, University of Washington
Classification: Uncertain significance for Sudden infant death syndrome. Last evaluated: 2014-06-01. Review status: criteria provided, single submitter. Criteria: Amendola et al. (Genome Res. 2015). Collection method: research. Allele origin: germline. Inheritance: Autosomal dominant inheritance. Study: ESP 6500 variant annotation.
Comment: Low GERP score may suggest that this variant may belong in a lower pathogenicity class

Variants classified for the Actionable exomic incidental findings in 6503 participants: challenges of variant classification manuscript

Cardiovascular Biomedical Research Unit, Royal Brompton & Harefield NHS Foundation Trust
No classification provided. Review status: no classification provided. Collection method: literature only. Allele origin: germline. Not counted in ClinVar's aggregate classification.
Comment: This variant has been reported in the following publications (PMID:17210839;PMID:19716085).

Literature cited by the submitters: PubMed 17210839 (cited by 4 submitters); PubMed 19716085 (cited by Labcorp Genetics (formerly Invitae), Labcorp and Cardiovascular Biomedical Research Unit, Royal Brompton & Harefield NHS Foundation Trust); PubMed 31337358 (cited by Labcorp Genetics (formerly Invitae), Labcorp); PubMed 31737537 (cited by Labcorp Genetics (formerly Invitae), Labcorp); PubMed 30302399 (cited by 3 submitters); PubMed 30615648 (cited by All of Us Research Program, National Institutes of Health and Color Diagnostics, LLC DBA Color Health); PubMed 22581653 (cited by Cardiovascular Biomedical Research Unit, Royal Brompton & Harefield NHS Foundation Trust).